The following is an entry in ClinVar:

ClinVar aggregate classification (germline): Likely benign. Review status: criteria provided, multiple submitters, no conflicts (2 of 4 stars). 2 submissions from 2 submitters: Likely benign (2). Last evaluated 2025-08-27.

Conditions:
Arrhythmogenic cardiomyopathy with wooly hair and keratoderma. Also called: PALMOPLANTAR KERATODERMA WITH LEFT VENTRICULAR CARDIOMYOPATHY AND WOOLLY HAIR; Carvajal syndrome; Dilated cardiomyopathy with woolly hair and keratoderma; Arrhythmogenic cardiomyopathy with woolly hair and keratoderma. Identifiers: Orphanet 65282, MedGen C1854063, MONDO:0011581, OMIM 605676.
Arrhythmogenic right ventricular dysplasia 8 (ARVD8). Also called: Arrhythmogenic Right Ventricular Dysplasia/Cardiomyopathy 8; ARRHYTHMOGENIC RIGHT VENTRICULAR DYSPLASIA, FAMILIAL, 8; ARRHYTHMOGENIC RIGHT VENTRICULAR CARDIOMYOPATHY 8. Identifiers: MedGen C1843896, MONDO:0011831, OMIM 607450.

Submissions (2):

Mayo Clinic Laboratories, Mayo Clinic
Classification: Likely benign. Last evaluated: 2025-08-27. Review status: criteria provided, single submitter. Criteria: ACMG Guidelines, 2015. Collection method: clinical testing. Allele origin: germline. Observed: 1 variant allele.
Comment: BP4, BP7, PM2_supporting

Labcorp Genetics (formerly Invitae), Labcorp
Classification: Likely benign for Arrhythmogenic cardiomyopathy with wooly hair and keratoderma; Arrhythmogenic right ventricular dysplasia 8. Last evaluated: 2022-11-04. Review status: criteria provided, single submitter. Criteria: Invitae Variant Classification Sherloc (09022015). Collection method: clinical testing. Allele origin: germline.

NM_004415.4(DSP):c.939+3_939+6dup

Gene: DSP (desmoplakin; plus strand). Cytogenetic location: 6p24.3.
Variant type: Duplication.
Coding change: c.939+3_939+6dup on transcript NM_004415.4 (MANE Select); bases 3 to 6 of the intron after coding-DNA position 939, 4 bases duplicated (AAGT; older notation c.939+3_939+6dupAAGT).
Molecular consequence: splice donor variant.
Genome position (GRCh38, 1-based): chr6:7,565,523-7,565,526, AAGT duplicated; duplicating any 4 consecutive bases within chr6:7,565,521-7,565,526 gives the same sequence; the c. name uses the placement nearest the transcript's 3' end. VCF-style (leftmost placement, unchanged base first): chr6-7565520-C-CGTAA. GRCh37 (hg19) VCF-style: chr6-7565753-C-CGTAA.
Other names: p.?; c.939+3_939+6dup (NM_001319034.2, NM_001008844.3, NM_001406591.1).
Identifiers: ClinVar variation 2941289 (VCV002941289.4), dbSNP rs2533873057, ClinGen allele CA2740094232.
Genomic context (GRCh38, chr6:7,565,520, plus strand): 5'-GCTGCTGTACGACTGGAGCGACAAGAACACCAACATCGCTCAGAAACAGGAGGCCTTCTC[C>CGTAA]GTAAGTTCACCCCACGCGGCTGTAGATGCTTGTCTTGAGCCTGTTGCCTTGAAGAGCTGG-3'